The following is an entry in ClinVar:

ClinVar aggregate classification (germline): Uncertain significance (1 of 4 stars; one submission).

Conditions:
Cardiovascular phenotype. Identifiers: MedGen CN230736.
Hereditary cancer-predisposing syndrome. Also called: Tumor predisposition; Hereditary neoplastic syndrome; Neoplastic Syndromes, Hereditary; Hereditary Cancer Syndrome. Identifiers: Orphanet 140162, MedGen C0027672, MeSH D009386, MONDO:0015356.

gnomAD v4.1: 2 of 1,599,814 alleles (0.00013%); highest among the groups gnomAD compares: Non-Finnish European, 0.00017%; no homozygotes.

Submission:

Ambry Genetics
Classification: Uncertain significance for Cardiovascular phenotype; Hereditary cancer-predisposing syndrome. Last evaluated: 2025-05-05. Review status: criteria provided, single submitter. Criteria: Ambry Variant Classification Scheme 2023. Collection method: clinical testing. Allele origin: germline.
Comment: The c.1581C>T variant (also known as p.F527F), located in coding exon 14 of the LZTR1 gene, results from a C to T substitution at nucleotide position 1581. This nucleotide substitution does not change the phenylalanine at codon 527. This nucleotide position is not well conserved in available vertebrate species. In silico splice site analysis for this alteration is inconclusive. Based on the available evidence, the clinical significance of this variant remains unclear.

NM_006767.4(LZTR1):c.1581C>T (p.Phe527=)

Gene: LZTR1 (leucine zipper like post translational regulator 1; plus strand). Cytogenetic location: 22q11.21.
Variant type: single nucleotide variant.
Coding change: c.1581C>T on transcript NM_006767.4 (MANE Select); coding-DNA position 1581, C replaced by T.
Protein change: p.Phe527=; no amino-acid change (phenylalanine 527 retained).
Molecular consequence: synonymous variant.
Genome position (GRCh38, 1-based): chr22:20,994,235, C>T. VCF-style: chr22-20994235-C-T. GRCh37 (hg19) VCF-style: chr22-21348524-C-T.
Identifiers: ClinVar variation 3991136 (VCV003991136.1).